The following is an entry in ClinVar:

NM_004369.4(COL6A3):c.1190A>G (p.Asn397Ser)

Gene: COL6A3 (collagen type VI alpha 3 chain; minus strand). Cytogenetic location: 2q37.3.
Variant type: single nucleotide variant.
Coding change: c.1190A>G on transcript NM_004369.4 (MANE Select); coding-DNA position 1190, A replaced by G.
Protein change: p.Asn397Ser; replaces asparagine 397 with serine.
Molecular consequence: missense variant. On other transcripts: intron variant (2).
Genome position (GRCh38, 1-based): chr2:237,387,704, T>C on the plus strand (A>G on the coding strand, the complement: COL6A3 is on the minus strand). VCF-style: chr2-237387704-T-C. GRCh37 (hg19) VCF-style: chr2-238296347-T-C.
Other names: c.572A>G, p.Asn191Ser (NM_057165.5, NM_057167.4); c.92-6205A>G (NM_057166.5, NM_057164.5); short protein forms N397S, N191S.
Identifiers: ClinVar variation 3631637 (VCV003631637.2).
Genomic context (GRCh38, chr2:237,387,704, plus strand): 5'-GGCAGTAATTTCTCCTGGAGGTCCCCAAAGCTACGGAATTCCGGGACAGTAAACACCAAG[T>C]TGTCATCGGTAGCTATGTGCTGAAGCTCTGCCCTGGAGGCGGCCTGGGCTCCAAGGCCGA-3'
Protein context (NP_004360.2, residues 387-407): AELQHIATDD[Asn397Ser]LVFTVPEFRS

ClinVar aggregate classification (germline): Uncertain significance (1 of 4 stars; one submission).

Conditions:
Bethlem myopathy 1A. Also called: Bethlem myopathy 1; MYOPATHY, BENIGN CONGENITAL, WITH CONTRACTURES; Bethlem Muscular Dystrophy. Identifiers: Orphanet 610, MedGen CN029274, MONDO:0024530, OMIM 158810.

gnomAD v4.1: 1 of 1,613,900 alleles (0.000062%); highest among the groups gnomAD compares: Non-Finnish European, 0.000085%; no homozygotes.

Submission:

Labcorp Genetics (formerly Invitae), Labcorp
Classification: Uncertain significance for Bethlem myopathy 1A. Last evaluated: 2024-06-13. Review status: criteria provided, single submitter. Criteria: Invitae Variant Classification Sherloc (09022015). Collection method: clinical testing. Allele origin: germline.
Comment: This sequence change replaces asparagine, which is neutral and polar, with serine, which is neutral and polar, at codon 397 of the COL6A3 protein (p.Asn397Ser). This variant is present in population databases (rs368344827, gnomAD 0.0009%). This variant has not been reported in the literature in individuals affected with COL6A3-related conditions. Advanced modeling of protein sequence and biophysical properties (such as structural, functional, and spatial information, amino acid conservation, physicochemical variation, residue mobility, and thermodynamic stability) performed at Invitae indicates that this missense variant is not expected to disrupt COL6A3 protein function with a negative predictive value of 95%. In summary, the available evidence is currently insufficient to determine the role of this variant in disease. Therefore, it has been classified as a Variant of Uncertain Significance.